The following is an entry in ClinVar:

NM_000322.5(PRPH2):c.660_665del (p.Pro221_Cys222del)

Gene: PRPH2 (peripherin 2; minus strand). Cytogenetic location: 6p21.1.
Variant type: Deletion.
Coding change: c.660_665del on transcript NM_000322.5 (MANE Select); coding-DNA positions 660 to 665, 6 bases deleted (GCCCTG; older notation c.660_665delGCCCTG).
Protein change: p.Pro221_Cys222del.
Molecular consequence: inframe deletion.
Genome position (GRCh38, 1-based): chr6:42,704,528-42,704,533, CAGGGC deleted on the plus strand (GCCCTG on the coding strand, the reverse complement: PRPH2 is on the minus strand); deleting any 6 consecutive bases within chr6:42,704,528-42,704,534 gives the same sequence; the c. name uses the placement nearest the transcript's 3' end. VCF-style (leftmost placement, unchanged base first): chr6-42704527-GCAGGGC-G. GRCh37 (hg19) VCF-style: chr6-42672265-GCAGGGC-G.
Identifiers: ClinVar variation 1175226 (VCV001175226.2), dbSNP rs2152005308, ClinGen allele CA2499218271.
Genomic context (GRCh38, chr6:42,704,527, plus strand): 5'-CTCCTCCGTCTGGTGGTCGTAACTGTAGTGTGCTGAGTTGTTGGTGATCTGATACTGGAT[GCAGGGC>G]CGTGGCGAGCTAGGATTGCAGCAGCTGAAAGGGACGCCGTCCACCAGGTACCGCCCATCC-3'

ClinVar aggregate classification (germline): Likely pathogenic. Review status: criteria provided, single submitter (1 of 4 stars). 2 submissions from 2 submitters: Likely pathogenic (1). 1 of the submissions does not count toward it. Last evaluated 2021-09-10.

Conditions:
PRPH2-related disorder. Also called: PRPH2-related condition; PRPH2-related disorders. Identifiers: MedGen CN239395.

Submissions (2):

Blueprint Genetics
Classification: Likely pathogenic for PRPH2-related disorders. Last evaluated: 2021-09-10. Review status: criteria provided, single submitter. Criteria: ACMG Guidelines, 2015. Collection method: clinical testing. Allele origin: germline. Affected: yes. Observed: 1 variant allele.

Leiden Open Variation Database
Classification: Likely pathogenic. Last evaluated: 2021-04-06. Review status: no assertion criteria provided. Collection method: curation. Allele origin: germline. Affected: yes. Not counted in ClinVar's aggregate classification.
Comment: Curator: Global Variome, with Curator vacancy. Submitter to LOVD: Manon Peeters. Comment: Variant observed de novo.

Literature cited by the submitters: PubMed 30902645 (cited by Leiden Open Variation Database).